The following is an entry in ClinVar:

ClinVar aggregate classification (germline): Uncertain significance (1 of 4 stars; one submission).

Submission:

GeneDx
Classification: Uncertain significance. Last evaluated: 2025-06-20. Review status: criteria provided, single submitter. Criteria: GeneDx Variant Classification Process June 2021. Collection method: clinical testing. Allele origin: germline. Affected: yes.
Comment: Not observed at significant frequency in large population cohorts (gnomAD); In-frame deletion of 12 amino acid(s) in a non-repeat region; In silico analysis supports a deleterious effect on protein structure/function; Has not been previously published as pathogenic or benign to our knowledge

NM_003458.4(BSN):c.31_66del (p.Ala11_Gly22del)

Genes: BSN (bassoon presynaptic cytomatrix protein; plus strand), LOC129936761 (ATAC-STARR-seq lymphoblastoid silent region 14369; plus strand). Cytogenetic location: 3p21.31.
Variant type: Deletion.
Coding change: c.31_66del on transcript NM_003458.4 (MANE Select); coding-DNA positions 31 to 66, 36 bases deleted.
Protein change: p.Ala11_Gly22del.
Genome position (GRCh38, 1-based): chr3:49,554,633-49,554,668, 36 bases deleted; deleting any 36 consecutive bases within chr3:49,554,629-49,554,668 gives the same sequence; the c. name uses the placement nearest the transcript's 3' end. GRCh37 (hg19): chr3:49,592,066-49,592,101.
Identifiers: ClinVar variation 4538950 (VCV004538950.1).
Genomic context (GRCh38, chr3:49,554,628, plus strand): 5'-GCGCGACCCCGACCCCGCCCGCCCGCCTGCCCGCCATGGGCAACGAGGTCAGCCTGGAGG[GCGGCGCTGGCGACGGGCCGCTGCCGCCCGGCGGCGC>G]CGGCCCCGGCCCGGGCCCCGGCCCCGGCCCCGGCGCAGGAAAGCCGCCTTCAGCACCGGC-3'